The following is an entry in ClinVar:

ClinVar aggregate classification (germline): Likely benign (1 of 4 stars; one submission).

Submission:

GeneDx
Classification: Likely benign. Last evaluated: 2021-04-25. Review status: criteria provided, single submitter. Criteria: GeneDx Variant Classification Process June 2021. Collection method: clinical testing. Allele origin: germline. Affected: yes.
Comment: See Variant Classification Assertion Criteria.

NM_012388.4(BLOC1S6):c.399+73dup

Gene: BLOC1S6 (biogenesis of lysosomal organelles complex 1 subunit 6; plus strand). Cytogenetic location: 15q21.1.
Variant type: Duplication.
Coding change: c.399+73dup on transcript NM_012388.4 (MANE Select); 73 bases into the intron after coding-DNA position 399, one base duplicated (T; older notation c.399+73dupT).
Molecular consequence: intron variant.
Genome position (GRCh38, 1-based): chr15:45,605,587, T duplicated; the last of 14 consecutive T bases (chr15:45,605,574-45,605,587); duplicating any one gives the same sequence. VCF-style (leftmost placement, unchanged base first): chr15-45605573-G-GT. GRCh37 (hg19) VCF-style: chr15-45897771-G-GT.
Other names: c.414+73dup (NM_001311255.1); c.*50+73dup (NM_001311256.1).
Identifiers: ClinVar variation 1706162 (VCV001706162.2), dbSNP rs368442198, ClinGen allele CA270020102.